The following is an entry in ClinVar:

ClinVar aggregate classification (germline): Conflicting classifications of pathogenicity. Review status: criteria provided, conflicting classifications (1 of 4 stars). 9 submissions from 9 submitters: Uncertain significance (5); Benign (1). 3 of the submissions do not count toward it. Last evaluated 2026-04-30.

Conditions:
Inborn genetic diseases. Identifiers: MedGen C0950123, MeSH D030342.
NAGLU-related disorder. Also called: NAGLU-related condition.
Charcot-Marie-Tooth disease axonal type 2V. Also called: CHARCOT-MARIE-TOOTH NEUROPATHY, TYPE 2V; CHARCOT-MARIE-TOOTH DISEASE, AXONAL, AUTOSOMAL DOMINANT, TYPE 2V. Identifiers: Orphanet 447964, MedGen C5569050, MONDO:0014665, OMIM 616491.
Mucopolysaccharidosis, MPS-III-B (MPS3B). Also called: Mucopolysaccharidosis type IIIB (Sanfilippo B); MPS IIIB (Sanfilippo Syndrome Type B); N-ACETYL-ALPHA-D-GLUCOSAMINIDASE DEFICIENCY; NAGLU DEFICIENCY; SANFILIPPO SYNDROME B; MUCOPOLYSACCHARIDOSIS, TYPE IIIB. Identifiers: Orphanet 79270, MedGen C0086648, MONDO:0009656, OMIM 252920.

Allele frequency attached by ClinVar (database versions not stated): gnomAD 0.00031 and 0.00032; 1000 Genomes Project 0.00040; 1000 Genomes Project 30x 0.00062; gnomAD exomes 0.00017; TOPMed 0.00022.
gnomAD v4.1: 551 of 1,258,010 alleles (0.044%); highest among the groups gnomAD compares: Non-Finnish European, 0.054%; no homozygotes.

Submissions (9):

PreventionGenetics, part of Exact Sciences
Classification: Benign for NAGLU-related condition. Last evaluated: 2026-04-30. Review status: criteria provided, single submitter. Criteria: ACMG Guidelines, 2015. Collection method: clinical testing. Allele origin: germline.
Comment: This variant is classified as benign based on ACMG/AMP sequence variant interpretation guidelines (Richards et al. 2015 PMID: 25741868, with internal and published modifications).

Blueprint Genetics
Classification: Uncertain significance. Last evaluated: 2024-10-21. Review status: criteria provided, single submitter. Criteria: ACMG Guidelines, 2015. Collection method: clinical testing. Allele origin: germline.

CeGaT Center for Human Genetics Tuebingen
Classification: Uncertain significance. Last evaluated: 2024-07-01. Review status: criteria provided, single submitter. Criteria: CeGaT Center For Human Genetics Tuebingen Variant Classification Criteria Version 2. Collection method: clinical testing. Allele origin: germline. Affected: yes. Observed: 1 variant allele.
Comment: NAGLU: PM2, PP3

Labcorp Genetics (formerly Invitae), Labcorp
Classification: Uncertain significance for Charcot-Marie-Tooth disease axonal type 2V; Mucopolysaccharidosis, MPS-III-B. Last evaluated: 2022-10-18. Review status: criteria provided, single submitter. Criteria: Invitae Variant Classification Sherloc (09022015). Collection method: clinical testing. Allele origin: germline.
Comment: This sequence change replaces alanine, which is neutral and non-polar, with glycine, which is neutral and non-polar, at codon 57 of the NAGLU protein (p.Ala57Gly). The frequency data for this variant in the population databases is considered unreliable, as metrics indicate poor data quality at this position in the gnomAD database. This variant has not been reported in the literature in individuals affected with NAGLU-related conditions. ClinVar contains an entry for this variant (Variation ID: 323293). Advanced modeling of protein sequence and biophysical properties (such as structural, functional, and spatial information, amino acid conservation, physicochemical variation, residue mobility, and thermodynamic stability) performed at Invitae indicates that this missense variant is expected to disrupt NAGLU protein function. In summary, the available evidence is currently insufficient to determine the role of this variant in disease. Therefore, it has been classified as a Variant of Uncertain Significance.

Ambry Genetics
Classification: Uncertain significance for Inborn genetic diseases. Last evaluated: 2021-01-13. Review status: criteria provided, single submitter. Criteria: Ambry Variant Classification Scheme 2023. Collection method: clinical testing. Allele origin: germline.

Illumina Laboratory Services, Illumina
Classification: Uncertain significance for Mucopolysaccharidosis, MPS-III-B. Last evaluated: 2018-01-12. Review status: criteria provided, single submitter. Criteria: ICSL Variant Classification Criteria 13 December 2019. Collection method: clinical testing. Allele origin: germline.

Natera, Inc.
Classification: Uncertain significance for Mucopolysaccharidosis type IIIB. Last evaluated: 2019-11-11. Review status: no assertion criteria provided. Collection method: clinical testing. Allele origin: germline. Not counted in ClinVar's aggregate classification.

Clinical Genetics, Academic Medical Center
Classification: Uncertain significance. Review status: no assertion criteria provided. Collection method: clinical testing. Allele origin: germline. Affected: yes. Study: VKGL Data-share Consensus. Not counted in ClinVar's aggregate classification.

Diagnostic Laboratory, Department of Genetics, University Medical Center Groningen
Classification: Uncertain significance. Review status: no assertion criteria provided. Collection method: clinical testing. Allele origin: germline. Affected: yes. Study: VKGL Data-share Consensus. Not counted in ClinVar's aggregate classification.

NM_000263.4(NAGLU):c.170C>G (p.Ala57Gly)

Genes: NAGLU (N-acetyl-alpha-glucosaminidase; plus strand), LOC130060903 (ATAC-STARR-seq lymphoblastoid silent region 8533; plus strand). Cytogenetic location: 17q21.2.
Variant type: single nucleotide variant.
Coding change: c.170C>G on transcript NM_000263.4 (MANE Select); coding-DNA position 170, C replaced by G.
Protein change: p.Ala57Gly; replaces alanine 57 with glycine.
Molecular consequence: missense variant.
Genome position (GRCh38, 1-based): chr17:42,536,442, C>G. VCF-style: chr17-42536442-C-G. GRCh37 (hg19) VCF-style: chr17-40688460-C-G.
Other names: short protein forms A57G.
Identifiers: ClinVar variation 323293 (VCV000323293.32), dbSNP rs181735466, ClinGen allele CA10639696.